The following is an entry in ClinVar:

ClinVar aggregate classification (germline): Uncertain significance (1 of 4 stars; one submission).

Conditions:
Hereditary cancer-predisposing syndrome. Also called: Hereditary Cancer Syndrome; Neoplastic Syndromes, Hereditary; Tumor predisposition; Hereditary neoplastic syndrome. Identifiers: Orphanet 140162, MedGen C0027672, MeSH D009386, MONDO:0015356.

Submission:

Ambry Genetics
Classification: Uncertain significance for Hereditary cancer-predisposing syndrome. Last evaluated: 2022-09-05. Review status: criteria provided, single submitter. Criteria: Ambry Variant Classification Scheme 2023. Collection method: clinical testing. Allele origin: germline.
Comment: The p.I1716M variant (also known as c.5148C>G), located in coding exon 38 of the POLE gene, results from a C to G substitution at nucleotide position 5148. The isoleucine at codon 1716 is replaced by methionine, an amino acid with highly similar properties. This amino acid position is conserved. In addition, this alteration is predicted to be tolerated by in silico analysis. Since supporting evidence is limited at this time, the clinical significance of this alteration remains unclear.

NM_006231.4(POLE):c.5148C>G (p.Ile1716Met)

Gene: POLE (DNA polymerase epsilon, catalytic subunit; minus strand). Cytogenetic location: 12q24.33.
Variant type: single nucleotide variant.
Coding change: c.5148C>G on transcript NM_006231.4 (MANE Select); coding-DNA position 5148, C replaced by G.
Protein change: p.Ile1716Met; replaces isoleucine 1716 with methionine.
Molecular consequence: missense variant.
Genome position (GRCh38, 1-based): chr12:132,642,202, G>C on the plus strand (C>G on the coding strand, the complement: POLE is on the minus strand). VCF-style: chr12-132642202-G-C. GRCh37 (hg19) VCF-style: chr12-133218788-G-C.
Other names: short protein forms I1716M.
Identifiers: ClinVar variation 1745640 (VCV001745640.2), dbSNP rs1060504054, ClinGen allele CA387376702.